The following is an entry in ClinVar:

NM_000548.5(TSC2):c.5201A>C (p.Asp1734Ala)

Gene: TSC2 (TSC complex subunit 2; plus strand). Cytogenetic location: 16p13.3.
Variant type: single nucleotide variant.
Coding change: c.5201A>C on transcript NM_000548.5 (MANE Select); coding-DNA position 5201, A replaced by C.
Protein change: p.Asp1734Ala; replaces aspartic acid 1734 with alanine.
Molecular consequence: missense variant.
Genome position (GRCh38, 1-based): chr16:2,088,267, A>C. VCF-style: chr16-2088267-A-C. GRCh37 (hg19) VCF-style: chr16-2138268-A-C.
Other names: c.5000A>C, p.Asp1667Ala (NM_001077183.3); c.5132A>C, p.Asp1711Ala (NM_001114382.3); c.4892A>C, p.Asp1631Ala (NM_001318827.2); c.4856A>C, p.Asp1619Ala (NM_001318829.2); c.4469A>C, p.Asp1490Ala (NM_001318831.2); c.5033A>C, p.Asp1678Ala (NM_001318832.2); c.5003A>C, p.Asp1668Ala (NM_001363528.2); c.5069A>C, p.Asp1690Ala (NM_001370404.1); and 2 more; short protein forms D1734A, D1668A, D1687A, D1711A, D1667A, D1678A, D1490A, D1690A.
Identifiers: ClinVar variation 468146 (VCV000468146.16), dbSNP rs878854117, ClinGen allele CA394314276.

ClinVar aggregate classification (germline): Uncertain significance. Review status: criteria provided, multiple submitters, no conflicts (2 of 4 stars). 4 submissions from 4 submitters: Uncertain significance (4). Last evaluated 2024-08-22.

Conditions:
Hereditary cancer-predisposing syndrome. Also called: Hereditary neoplastic syndrome; Neoplastic Syndromes, Hereditary; Tumor predisposition; Hereditary Cancer Syndrome. Identifiers: Orphanet 140162, MedGen C0027672, MeSH D009386, MONDO:0015356.
Tuberous sclerosis 2 (TSC2). Identifiers: Orphanet 805, MedGen C1860707, MONDO:0013199, OMIM 613254.
Tuberous sclerosis syndrome (TSC). Also called: Tuberous Sclerosis Complex; Tuberous sclerosis. Identifiers: Orphanet 805, MedGen C0041341, MONDO:0001734.

gnomAD v4.1: 1 of 1,613,104 alleles (0.000062%); highest among the groups gnomAD compares: Non-Finnish European, 0.000085%; no homozygotes.

Submissions (4):

Labcorp Genetics (formerly Invitae), Labcorp
Classification: Uncertain significance for Tuberous sclerosis 2. Last evaluated: 2024-08-22. Review status: criteria provided, single submitter. Criteria: Invitae Variant Classification Sherloc (09022015). Collection method: clinical testing. Allele origin: germline.
Comment: This sequence change replaces aspartic acid, which is acidic and polar, with alanine, which is neutral and non-polar, at codon 1734 of the TSC2 protein (p.Asp1734Ala). This variant is not present in population databases (gnomAD no frequency). This variant has not been reported in the literature in individuals affected with TSC2-related conditions. ClinVar contains an entry for this variant (Variation ID: 468146). Invitae Evidence Modeling of protein sequence and biophysical properties (such as structural, functional, and spatial information, amino acid conservation, physicochemical variation, residue mobility, and thermodynamic stability) has been performed for this missense variant. However, the output from this modeling did not meet the statistical confidence thresholds required to predict the impact of this variant on TSC2 protein function. In summary, the available evidence is currently insufficient to determine the role of this variant in disease. Therefore, it has been classified as a Variant of Uncertain Significance.

All of Us Research Program, National Institutes of Health
Classification: Uncertain significance for Tuberous sclerosis syndrome. Last evaluated: 2024-06-09. Review status: criteria provided, single submitter. Criteria: ACMG Guidelines, 2015. Collection method: clinical testing. Allele origin: germline. Inheritance: Autosomal dominant inheritance. Observed: 1 variant allele, 1 heterozygote.
Comment: This missense variant replaces aspartic acid with alanine at codon 1734 of the TSC2 protein. Computational prediction suggests that this variant may have deleterious impact on protein structure and function. To our knowledge, functional studies have not been reported for this variant. This variant has not been reported in individuals affected with TSC2-related disorders in the literature. This variant has not been identified in the general population by the Genome Aggregation Database (gnomAD). The available evidence is insufficient to determine the role of this variant in disease conclusively. Therefore, this variant is classified as a Variant of Uncertain Significance.

This study involves interpretation of variants in research participants for the purpose of population health screening. Participant phenotype was not available at the time of variant classification. Additional details can be found in publication PMID: 35346344, PMCID: PMC8962531

Ambry Genetics
Classification: Uncertain significance for Hereditary cancer-predisposing syndrome. Last evaluated: 2024-05-08. Review status: criteria provided, single submitter. Criteria: Ambry Variant Classification Scheme 2023. Collection method: clinical testing. Allele origin: germline.
Comment: The p.D1734A variant (also known as c.5201A>C), located in coding exon 40 of the TSC2 gene, results from an A to C substitution at nucleotide position 5201. The aspartic acid at codon 1734 is replaced by alanine, an amino acid with dissimilar properties. This amino acid position is highly conserved in available vertebrate species. In addition, this alteration is predicted to be deleterious by in silico analysis. Based on the available evidence, the clinical significance of this variant remains unclear.

Sema4
Classification: Uncertain significance for Hereditary cancer-predisposing syndrome. Last evaluated: 2022-01-22. Review status: criteria provided, single submitter. Criteria: Sema4 Curation Guidelines. Collection method: curation. Allele origin: germline.
Comment: The TSC2 c.5201A>C (p.D1734A) variant has not been reported in the literature to our knowledge. It was not observed in the large and broad cohorts of the Genome Aggregation Database (PMID: 32461654). The variant has been reported in ClinVar (Variation ID 468146). In silico tools suggest the impact of the variant on protein function is deleterious, though these predictions have not been confirmed by functional studies. The evidence is insufficient to meet ACMG/AMP criteria for classifying the variant as benign or pathogenic. Thus, the clinical significance of this variant is currently uncertain.